The following is an entry in ClinVar:

NM_001164508.2(NEB):c.24028T>C (p.Tyr8010His)

Genes: RIF1 (replication timing regulatory factor 1; plus strand), NEB (nebulin; minus strand). Cytogenetic location: 2q23.3.
Variant type: single nucleotide variant.
Coding change: c.24028T>C on transcript NM_001164508.2 (MANE Select); coding-DNA position 24028, T replaced by C.
Protein change: p.Tyr8010His; replaces tyrosine 8010 with histidine.
Molecular consequence: missense variant. On other transcripts: intron variant (1).
Genome position (GRCh38, 1-based): chr2:151,499,384, A>G on the plus strand (T>C on the coding strand, the complement: NEB is on the minus strand). VCF-style: chr2-151499384-A-G. GRCh37 (hg19) VCF-style: chr2-152355898-A-G.
Other names: c.24028T>C, p.Tyr8010His (NM_001164507.2); c.24133T>C, p.Tyr8045His (NM_001271208.2); c.18826-3016T>C (NM_004543.5); short protein forms Y8010H, Y8045H.
Identifiers: ClinVar variation 1043076 (VCV001043076.7), dbSNP rs555681348, ClinGen allele CA57670518.

ClinVar aggregate classification (germline): Uncertain significance (1 of 4 stars; one submission).

Conditions:
Nemaline myopathy 2 (NEM2). Also called: Nemaline myopathy 2, autosomal recessive. Identifiers: MedGen C1850569, MONDO:0009725, OMIM 256030.

Allele frequency attached by ClinVar (database versions not stated): TOPMed below 0.00001; gnomAD 0.00001; gnomAD exomes 0.00001; 1000 Genomes Project 30x 0.00016; 1000 Genomes Project 0.00020.
gnomAD v4.1: 10 of 1,529,102 alleles (0.00065%); highest among the groups gnomAD compares: Middle Eastern, 0.034%; no homozygotes.

Submission:

Labcorp Genetics (formerly Invitae), Labcorp
Classification: Uncertain significance for Nemaline myopathy 2. Last evaluated: 2024-02-24. Review status: criteria provided, single submitter. Criteria: Invitae Variant Classification Sherloc (09022015). Collection method: clinical testing. Allele origin: germline.
Comment: This sequence change replaces tyrosine, which is neutral and polar, with histidine, which is basic and polar, at codon 8045 of the NEB protein (p.Tyr8045His). This variant is not present in population databases (gnomAD no frequency). This variant has not been reported in the literature in individuals affected with NEB-related conditions. ClinVar contains an entry for this variant (Variation ID: 1043076). Experimental studies and prediction algorithms are not available or were not evaluated, and the functional significance of this variant is currently unknown. In summary, the available evidence is currently insufficient to determine the role of this variant in disease. Therefore, it has been classified as a Variant of Uncertain Significance.